The following is an entry in ClinVar:

NC_000021.8:g.(?_47676683)_(47676920_?)del

Gene: MCM3AP (minichromosome maintenance complex component 3 associated protein; minus strand). Cytogenetic location: 21q22.3.
Variant type: Deletion.
Identifiers: ClinVar variation 1410879 (VCV001410879.6).

ClinVar aggregate classification (germline): Pathogenic (1 of 4 stars; one submission).

Submission:

Labcorp Genetics (formerly Invitae), Labcorp
Classification: Pathogenic. Last evaluated: 2023-05-24. Review status: criteria provided, single submitter. Criteria: Invitae Variant Classification Sherloc (09022015). Collection method: clinical testing. Allele origin: germline.
Comment: For these reasons, this variant has been classified as Pathogenic. This variant disrupts a region of the MCM3AP protein in which other variant(s) (p.Val1272Met) have been determined to be pathogenic (PMID: 28633435, 32202298). This suggests that this is a clinically significant region of the protein, and that variants that disrupt it are likely to be disease-causing. A similar copy number variant has been observed in individual(s) with clinical features of MCM3AP-related conditions (Invitae). This variant is a gross deletion of the genomic region encompassing exon(s) 17 of the MCM3AP gene. This variant would be expected to be in-frame, preserving the integrity of the reading frame.

Literature cited by the submitters: PubMed 28633435; PubMed 32202298.